The following is an entry in ClinVar:

NM_006363.6(SEC23B):c.993+10C>G

Gene: SEC23B (SEC23 homolog B, COPII component; plus strand). Cytogenetic location: 20p11.23.
Variant type: single nucleotide variant.
Coding change: c.993+10C>G on transcript NM_006363.6 (MANE Select); 10 bases into the intron after coding-DNA position 993, C replaced by G.
Molecular consequence: intron variant.
Genome position (GRCh38, 1-based): chr20:18,526,541, C>G. VCF-style: chr20-18526541-C-G. GRCh37 (hg19) VCF-style: chr20-18507185-C-G.
Other names: p.?; c.993+10C>G (NM_032986.5, NM_001172745.3, NM_032985.6); c.939+10C>G (NM_001172746.3).
Identifiers: ClinVar variation 767203 (VCV000767203.16), dbSNP rs201948587, ClinGen allele CA9778184.
Genomic context (GRCh38, chr20:18,526,541, plus strand): 5'-TGGCATGATATTGAGAAAGATAATGCACGATTCATGAAAAAGGCAACCAAGGTAGGTGCT[C>G]TTGGGTATGGGCTGTAATTCTGAAAGCCCATTGTCAGGTTTGGGCTGCTCTGGAGTGACA-3'

ClinVar aggregate classification (germline): Benign/Likely benign. Review status: criteria provided, multiple submitters, no conflicts (2 of 4 stars). 6 submissions from 6 submitters: Benign (1); Likely benign (4). 1 of the submissions does not count toward it. Last evaluated 2026-01-19.

Conditions:
Congenital dyserythropoietic anemia, type II (CDAN2). Also called: DYSERYTHROPOIETIC ANEMIA, HEMPAS TYPE. Identifiers: Orphanet 98873, MedGen C1306589, MONDO:0009134, OMIM 224100.
Cowden syndrome 7 (CWS7). Identifiers: Orphanet 201, MedGen C4225179, MONDO:0014802, OMIM 616858.
SEC23B-related disorder. Also called: SEC23B-related disorders; SEC23B-related condition.

Allele frequency attached by ClinVar (database versions not stated): gnomAD exomes 0.00014 and 0.00038; ExAC 0.00040; 1000 Genomes Project 30x 0.00125; 1000 Genomes Project 0.00140; gnomAD 0.00166 and 0.00173; TOPMed 0.00176; ESP Exome Variant Server 0.00200.
gnomAD v4.1: 479 of 1,613,934 alleles (0.03%); highest among the groups gnomAD compares: African/African-American, 0.52%; 2 homozygotes.

Submissions (6):

Labcorp Genetics (formerly Invitae), Labcorp
Classification: Benign for Congenital dyserythropoietic anemia, type II; Cowden syndrome 7. Last evaluated: 2026-01-19. Review status: criteria provided, single submitter. Criteria: Invitae Variant Classification Sherloc (09022015). Collection method: clinical testing. Allele origin: germline.

ARUP Laboratories, Molecular Genetics and Genomics, ARUP Laboratories
Classification: Likely benign. Last evaluated: 2025-07-01. Review status: criteria provided, single submitter. Criteria: ARUP Molecular Germline Variant Investigation Process 2024. Collection method: clinical testing. Allele origin: germline.

Mayo Clinic Laboratories, Mayo Clinic
Classification: Likely benign. Last evaluated: 2024-12-24. Review status: criteria provided, single submitter. Criteria: ACMG Guidelines, 2015. Collection method: clinical testing. Allele origin: germline. Observed: 4 variant alleles.
Comment: BP4, BP7

Blueprint Genetics
Classification: Likely benign. Last evaluated: 2024-11-22. Review status: criteria provided, single submitter. Criteria: ACMG Guidelines, 2015. Collection method: clinical testing. Allele origin: germline.

Fulgent Genetics
Classification: Likely benign for Congenital dyserythropoietic anemia, type II; Cowden syndrome 7. Last evaluated: 2022-05-11. Review status: criteria provided, single submitter. Criteria: ACMG Guidelines, 2015. Collection method: clinical testing. Allele origin: unknown.

PreventionGenetics, part of Exact Sciences
Classification: Likely benign for SEC23B-related condition. Last evaluated: 2020-01-24. Review status: no assertion criteria provided. Collection method: clinical testing. Allele origin: germline. Not counted in ClinVar's aggregate classification.
Comment: This variant is classified as likely benign based on ACMG/AMP sequence variant interpretation guidelines (Richards et al. 2015 PMID: 25741868, with internal and published modifications).